The following is an entry in ClinVar:

NM_001281503.2(SLITRK1):c.117C>A (p.His39Gln)

Gene: SLITRK1 (SLIT and NTRK like family member 1; minus strand). Cytogenetic location: 13q31.1.
Variant type: single nucleotide variant.
Coding change: c.117C>A on transcript NM_001281503.2 (MANE Select); coding-DNA position 117, C replaced by A.
Protein change: p.His39Gln; replaces histidine 39 with glutamine.
Molecular consequence: missense variant.
Genome position (GRCh38, 1-based): chr13:83,881,391, G>T on the plus strand (C>A on the coding strand, the complement: SLITRK1 is on the minus strand). VCF-style: chr13-83881391-G-T. GRCh37 (hg19) VCF-style: chr13-84455526-G-T.
Other names: c.117C>A, p.His39Gln (NM_052910.2); short protein forms H39Q.
Identifiers: ClinVar variation 3896199 (VCV003896199.2).

ClinVar aggregate classification (germline): Uncertain significance (1 of 4 stars; one submission).

gnomAD v4.1: 4 of 1,613,918 alleles (0.00025%); highest among the groups gnomAD compares: Admixed American, 0.0017%; no homozygotes.

Submission:

Women's Health and Genetics/Laboratory Corporation of America, LabCorp
Classification: Uncertain significance. Last evaluated: 2025-04-17. Review status: criteria provided, single submitter. Criteria: LabCorp Variant Classification Summary - May 2015. Collection method: clinical testing. Allele origin: germline.
Comment: Variant summary: SLITRK1 c.117C>A (p.His39Gln) results in a non-conservative amino acid change in the encoded protein sequence. Three of five in-silico tools predict a damaging effect of the variant on protein function. The variant allele was found at a frequency of 4e-06 in 251236 control chromosomes. The available data on variant occurrences in the general population are insufficient to allow any conclusion about variant significance. To our knowledge, no occurrence of c.117C>A in individuals affected with Tourette Syndrome and no experimental evidence demonstrating its impact on protein function have been reported. No submitters have cited clinical-significance assessments for this variant to ClinVar. Based on the evidence outlined above, the variant was classified as uncertain significance.